The following is an entry in ClinVar:

ClinVar aggregate classification (germline): Uncertain significance (1 of 4 stars; one submission).

gnomAD v4.1: 1 of 1,613,336 alleles (0.000062%); highest among the groups gnomAD compares: Non-Finnish European, 0.000085%; no homozygotes.

Submission:

Ambry Genetics
Classification: Uncertain significance. Last evaluated: 2025-06-06. Review status: criteria provided, single submitter. Criteria: Ambry Variant Classification Scheme 2023. Collection method: clinical testing. Allele origin: germline.
Comment: The p.V2042I variant (also known as c.6124G>A), located in coding exon 25 of the WNK2 gene, results from a G to A substitution at nucleotide position 6124. The valine at codon 2042 is replaced by isoleucine, an amino acid with highly similar properties. This amino acid position is conserved. In addition, the in silico prediction for this alteration is inconclusive. Based on the available evidence, the clinical significance of this variant remains unclear.

NM_006648.4(WNK2):c.6124G>A (p.Val2042Ile)

Gene: WNK2 (WNK lysine deficient protein kinase 2; plus strand). Cytogenetic location: 9q22.31.
Variant type: single nucleotide variant.
Coding change: c.6124G>A on transcript NM_006648.4 (MANE Select); coding-DNA position 6124, G replaced by A.
Protein change: p.Val2042Ile; replaces valine 2042 with isoleucine.
Molecular consequence: missense variant.
Genome position (GRCh38, 1-based): chr9:93,300,059, G>A. VCF-style: chr9-93300059-G-A. GRCh37 (hg19) VCF-style: chr9-96062341-G-A.
Other names: c.6235G>A, p.Val2079Ile (NM_001282394.3); short protein forms V2079I, V2042I.
Identifiers: ClinVar variation 3982181 (VCV003982181.1).